The following is an entry in ClinVar:

NM_001330078.2(NRXN1):c.3640G>A (p.Val1214Ile)

Gene: NRXN1 (neurexin 1; minus strand). Cytogenetic location: 2p16.3.
Variant type: single nucleotide variant.
Coding change: c.3640G>A on transcript NM_001330078.2 (MANE Select); coding-DNA position 3640, G replaced by A.
Protein change: p.Val1214Ile; replaces valine 1214 with isoleucine.
Molecular consequence: missense variant.
Genome position (GRCh38, 1-based): chr2:50,091,401, C>T on the plus strand (G>A on the coding strand, the complement: NRXN1 is on the minus strand). VCF-style: chr2-50091401-C-T. GRCh37 (hg19) VCF-style: chr2-50318539-C-T.
Other names: c.3760G>A, p.Val1254Ile (NM_001135659.3); c.3616G>A, p.Val1206Ile (NM_001330077.2, NM_001330082.2); c.3574G>A, p.Val1192Ile (NM_001330083.2, NM_001330084.2); c.3613G>A, p.Val1205Ile (NM_001330085.2); c.3640G>A, p.Val1214Ile (NM_001330086.2, NM_004801.6); c.3529G>A, p.Val1177Ile (NM_001330087.2, NM_001330096.2); c.3559G>A, p.Val1187Ile (NM_001330088.2); c.535G>A, p.Val179Ile (NM_001330091.2, NM_001330092.2, NM_001330097.2 and 1 more transcripts); and 3 more; short protein forms V1192I, V1197I, V1254I, V179I, V1187I, V1214I, V1205I, V1210I.
Identifiers: ClinVar variation 1492804 (VCV001492804.8), dbSNP rs752722196, ClinGen allele CA1654403.

ClinVar aggregate classification (germline): Uncertain significance (1 of 4 stars; one submission).

Conditions:
Pitt-Hopkins-like syndrome 2 (PTHSL2). Identifiers: Orphanet 221150, Orphanet 600663, MedGen C3280479, MONDO:0013690, OMIM 614325.

Allele frequency attached by ClinVar (database versions not stated): gnomAD 0.00001; TOPMed 0.00001; ExAC 0.00003; gnomAD exomes 0.00005.
gnomAD v4.1: 29 of 1,614,116 alleles (0.0018%); highest among the groups gnomAD compares: East Asian, 0.065%; no homozygotes.

Submission:

Labcorp Genetics (formerly Invitae), Labcorp
Classification: Uncertain significance for Pitt-Hopkins-like syndrome 2. Last evaluated: 2023-04-06. Review status: criteria provided, single submitter. Criteria: Invitae Variant Classification Sherloc (09022015). Collection method: clinical testing. Allele origin: germline.
Comment: This sequence change replaces valine, which is neutral and non-polar, with isoleucine, which is neutral and non-polar, at codon 1254 of the NRXN1 protein (p.Val1254Ile). This variant is present in population databases (rs752722196, gnomAD 0.07%). This missense change has been observed in individual(s) with schizophrenia (PMID: 32942984). This variant is also known as V1214I and V179I. ClinVar contains an entry for this variant (Variation ID: 1492804). Advanced modeling of protein sequence and biophysical properties (such as structural, functional, and spatial information, amino acid conservation, physicochemical variation, residue mobility, and thermodynamic stability) performed at Invitae indicates that this missense variant is not expected to disrupt NRXN1 protein function. In summary, the available evidence is currently insufficient to determine the role of this variant in disease. Therefore, it has been classified as a Variant of Uncertain Significance.

Literature cited by the submitters: PubMed 32942984.